The following is an entry in ClinVar:

NM_001001524.3(TM6SF2):c.149C>T (p.Ala50Val)

Gene: TM6SF2 (transmembrane 6 superfamily member 2; minus strand). Cytogenetic location: 19p13.11.
Variant type: single nucleotide variant.
Coding change: c.149C>T on transcript NM_001001524.3 (MANE Select); coding-DNA position 149, C replaced by T.
Protein change: p.Ala50Val; replaces alanine 50 with valine.
Molecular consequence: missense variant.
Genome position (GRCh38, 1-based): chr19:19,271,072, G>A on the plus strand (C>T on the coding strand, the complement: TM6SF2 is on the minus strand). VCF-style: chr19-19271072-G-A. GRCh37 (hg19) VCF-style: chr19-19381881-G-A.
Other names: short protein forms A50V.
Identifiers: ClinVar variation 2649605 (VCV002649605.24), dbSNP rs184254301, ClinGen allele CA9324951.

ClinVar aggregate classification (germline): Likely benign (1 of 4 stars; one submission).

Allele frequency attached by ClinVar (database versions not stated): 1000 Genomes Project 0.00100; 1000 Genomes Project 30x 0.00109; ESP Exome Variant Server 0.00143; gnomAD 0.00149.

Submission:

CeGaT Center for Human Genetics Tuebingen
Classification: Likely benign. Last evaluated: 2023-04-01. Review status: criteria provided, single submitter. Criteria: CeGaT Center For Human Genetics Tuebingen Variant Classification Criteria Version 2. Collection method: clinical testing. Allele origin: germline. Affected: yes. Observed: 1 variant allele.
Comment: TM6SF2: BP4, BS2